The following is an entry in ClinVar:

ClinVar aggregate classification (germline): Likely benign. Review status: criteria provided, single submitter (1 of 4 stars). 2 submissions from 2 submitters: Likely benign (1). 1 of the submissions does not count toward it. Last evaluated 2025-12-06.

Conditions:
PTPRC-related disorder. Also called: PTPRC-related condition.
Immunodeficiency 104. Also called: Severe combined immunodeficiency, autosomal recessive, T cell-negative, B cell-positive, NK cell-positive; SCID, AUTOSOMAL RECESSIVE, T CELL-NEGATIVE, B CELL-POSITIVE, NK CELL-POSITIVE; Severe Combined Immune Deficiency, Autosomal Recessive, TCell -Negative, B Cell-Positive, NK Cell-Positive, IL7R-Related; IMMUNODEFICIENCY 104, SEVERE COMBINED. Identifiers: MedGen C5676890, MONDO:0012163, OMIM 608971.

Allele frequency attached by ClinVar (database versions not stated): TOPMed below 0.00001; gnomAD 0.00007; gnomAD exomes 0.00013; ExAC 0.00026.
gnomAD v4.1: 192 of 1,612,564 alleles (0.012%); highest among the groups gnomAD compares: South Asian, 0.2%; 3 homozygotes.

Submissions (2):

Labcorp Genetics (formerly Invitae), Labcorp
Classification: Likely benign for Immunodeficiency 104. Last evaluated: 2025-12-06. Review status: criteria provided, single submitter. Criteria: Invitae Variant Classification Sherloc (09022015). Collection method: clinical testing. Allele origin: germline.

PreventionGenetics, part of Exact Sciences
Classification: Likely benign for PTPRC-related condition. Last evaluated: 2019-08-06. Review status: no assertion criteria provided. Collection method: clinical testing. Allele origin: germline. Not counted in ClinVar's aggregate classification.
Comment: This variant is classified as likely benign based on ACMG/AMP sequence variant interpretation guidelines (Richards et al. 2015 PMID: 25741868, with internal and published modifications).

NM_002838.5(PTPRC):c.3150C>T (p.Ile1050=)

Gene: PTPRC (protein tyrosine phosphatase receptor type C; plus strand). Cytogenetic location: 1q32.1.
Variant type: single nucleotide variant.
Coding change: c.3150C>T on transcript NM_002838.5 (MANE Select); coding-DNA position 3150, C replaced by T.
Protein change: p.Ile1050=; no amino-acid change (isoleucine 1050 retained).
Molecular consequence: synonymous variant.
Genome position (GRCh38, 1-based): chr1:198,750,569, C>T. VCF-style: chr1-198750569-C-T. GRCh37 (hg19) VCF-style: chr1-198719698-C-T.
Other names: c.2667C>T, p.Ile889= (NM_080921.4); c.3150C>T (NM_002838.4).
Identifiers: ClinVar variation 2053764 (VCV002053764.6), dbSNP rs551218477, ClinGen allele CA1315362.